The following is an entry in ClinVar:

ClinVar aggregate classification (germline): Uncertain significance. Review status: criteria provided, multiple submitters, no conflicts (2 of 4 stars). 2 submissions from 2 submitters: Uncertain significance (2). Last evaluated 2025-08-23.

Conditions:
Inborn genetic diseases. Identifiers: MedGen C0950123, MeSH D030342.

Allele frequency attached by ClinVar (database versions not stated): ExAC 0.00002; gnomAD exomes 0.00002; TOPMed 0.00002.
gnomAD v4.1: 10 of 1,614,202 alleles (0.00062%); highest among the groups gnomAD compares: Admixed American, 0.01%; no homozygotes.

Submissions (2):

Ambry Genetics
Classification: Uncertain significance for Inborn genetic diseases. Last evaluated: 2025-08-23. Review status: criteria provided, single submitter. Criteria: Ambry Variant Classification Scheme 2023. Collection method: clinical testing. Allele origin: germline.

Labcorp Genetics (formerly Invitae), Labcorp
Classification: Uncertain significance. Last evaluated: 2024-10-22. Review status: criteria provided, single submitter. Criteria: Invitae Variant Classification Sherloc (09022015). Collection method: clinical testing. Allele origin: germline.
Comment: This sequence change replaces cysteine, which is neutral and slightly polar, with serine, which is neutral and polar, at codon 933 of the ARFGEF2 protein (p.Cys933Ser). This variant is present in population databases (rs750753933, gnomAD 0.02%). This variant has not been reported in the literature in individuals affected with ARFGEF2-related conditions. ClinVar contains an entry for this variant (Variation ID: 1906489). An algorithm developed to predict the effect of missense changes on protein structure and function (PolyPhen-2) suggests that this variant is likely to be tolerated. In summary, the available evidence is currently insufficient to determine the role of this variant in disease. Therefore, it has been classified as a Variant of Uncertain Significance.

NM_006420.3(ARFGEF2):c.2798G>C (p.Cys933Ser)

Gene: ARFGEF2 (ARF guanine nucleotide exchange factor 2; plus strand). Cytogenetic location: 20q13.13.
Variant type: single nucleotide variant.
Coding change: c.2798G>C on transcript NM_006420.3 (MANE Select); coding-DNA position 2798, G replaced by C.
Protein change: p.Cys933Ser; replaces cysteine 933 with serine.
Molecular consequence: missense variant.
Genome position (GRCh38, 1-based): chr20:48,989,668, G>C. VCF-style: chr20-48989668-G-C. GRCh37 (hg19) VCF-style: chr20-47606205-G-C.
Other names: c.2795G>C, p.Cys932Ser (NM_001410846.1); short protein forms C932S, C933S.
Identifiers: ClinVar variation 1906489 (VCV001906489.7), dbSNP rs750753933, ClinGen allele CA9898738.